The following is an entry in ClinVar:

NM_018026.4(PACS1):c.748A>G (p.Ile250Val)

Gene: PACS1 (phosphofurin acidic cluster sorting protein 1; plus strand). Cytogenetic location: 11q13.2.
Variant type: single nucleotide variant.
Coding change: c.748A>G on transcript NM_018026.4 (MANE Select); coding-DNA position 748, A replaced by G.
Protein change: p.Ile250Val; replaces isoleucine 250 with valine.
Molecular consequence: missense variant.
Genome position (GRCh38, 1-based): chr11:66,216,206, A>G. VCF-style: chr11-66216206-A-G. GRCh37 (hg19) VCF-style: chr11-65983677-A-G.
Other names: short protein forms I250V.
Identifiers: ClinVar variation 2842284 (VCV002842284.3), dbSNP rs748987562, ClinGen allele CA6116329.
Genomic context (GRCh38, chr11:66,216,206, plus strand): 5'-CTGGTGCTTGGCCTACACAGCAACGTGAAGGATGTCTCTGTGCCTGTGGCAGAAATAAAG[A>G]TCTACTCCCTGTCCAGCCAACCCATTGACCATGAAGGAATCAAATCCAAGCTTTCTGGTA-3'
Protein context (NP_060496.2, residues 240-260): DVSVPVAEIK[Ile250Val]YSLSSQPIDH

ClinVar aggregate classification (germline): Uncertain significance (1 of 4 stars; one submission).

Conditions:
Schuurs-Hoeijmakers syndrome. Also called: PACS1-Related Neurodevelopmental Disorder. Identifiers: Orphanet 329224, MedGen C3554343, MONDO:0014006, OMIM 615009.

Allele frequency attached by ClinVar (database versions not stated): gnomAD exomes below 0.00001; ExAC 0.00001.
gnomAD v4.1: 1 of 1,614,072 alleles (0.000062%); highest among the groups gnomAD compares: South Asian, 0.0011%; no homozygotes.

Submission:

Labcorp Genetics (formerly Invitae), Labcorp
Classification: Uncertain significance for Schuurs-Hoeijmakers syndrome. Last evaluated: 2023-03-02. Review status: criteria provided, single submitter. Criteria: Invitae Variant Classification Sherloc (09022015). Collection method: clinical testing. Allele origin: germline.
Comment: This variant is present in population databases (rs748987562, gnomAD 0.003%). This sequence change replaces isoleucine, which is neutral and non-polar, with valine, which is neutral and non-polar, at codon 250 of the PACS1 protein (p.Ile250Val). This variant has not been reported in the literature in individuals affected with PACS1-related conditions. In summary, the available evidence is currently insufficient to determine the role of this variant in disease. Therefore, it has been classified as a Variant of Uncertain Significance. Advanced modeling of protein sequence and biophysical properties (such as structural, functional, and spatial information, amino acid conservation, physicochemical variation, residue mobility, and thermodynamic stability) performed at Invitae indicates that this missense variant is not expected to disrupt PACS1 protein function.